The following is an entry in ClinVar:

NM_001364171.2(ODAD1):c.1531G>A (p.Asp511Asn)

Gene: ODAD1 (outer dynein arm docking complex subunit 1; minus strand). Cytogenetic location: 19q13.33.
Variant type: single nucleotide variant.
Coding change: c.1531G>A on transcript NM_001364171.2 (MANE Select); coding-DNA position 1531, G replaced by A.
Protein change: p.Asp511Asn; replaces aspartic acid 511 with asparagine.
Molecular consequence: missense variant.
Genome position (GRCh38, 1-based): chr19:48,297,640, C>T on the plus strand (G>A on the coding strand, the complement: ODAD1 is on the minus strand). VCF-style: chr19-48297640-C-T. GRCh37 (hg19) VCF-style: chr19-48800897-C-T.
Other names: c.1420G>A, p.Asp474Asn (NM_144577.4); short protein forms D474N, D511N.
Identifiers: ClinVar variation 2044603 (VCV002044603.2), dbSNP rs755370736, ClinGen allele CA9548651.

ClinVar aggregate classification (germline): Uncertain significance (1 of 4 stars; one submission).

Conditions:
Primary ciliary dyskinesia. Also called: Ciliary dyskinesia. Identifiers: Orphanet 244, MedGen C0008780, MONDO:0016575, HP:0012265.

Allele frequency attached by ClinVar (database versions not stated): gnomAD exomes below 0.00001; ExAC 0.00001.
gnomAD v4.1: 4 of 1,520,964 alleles (0.00026%); highest among the groups gnomAD compares: Admixed American, 0.0023%; no homozygotes.

Submission:

Labcorp Genetics (formerly Invitae), Labcorp
Classification: Uncertain significance for Primary ciliary dyskinesia. Last evaluated: 2022-08-12. Review status: criteria provided, single submitter. Criteria: Invitae Variant Classification Sherloc (09022015). Collection method: clinical testing. Allele origin: germline.
Comment: The frequency data for this variant in the population databases is considered unreliable, as metrics indicate poor data quality at this position in the gnomAD database. This sequence change replaces aspartic acid, which is acidic and polar, with asparagine, which is neutral and polar, at codon 474 of the CCDC114 protein (p.Asp474Asn). This variant has not been reported in the literature in individuals affected with CCDC114-related conditions. In summary, the available evidence is currently insufficient to determine the role of this variant in disease. Therefore, it has been classified as a Variant of Uncertain Significance. Algorithms developed to predict the effect of missense changes on protein structure and function are either unavailable or do not agree on the potential impact of this missense change (SIFT: "Tolerated"; PolyPhen-2: "Probably Damaging"; Align-GVGD: "Class C0").